The following is an entry in ClinVar:

NM_001042413.2(GLIS3):c.-131G>A

Genes: GLIS3 (GLIS family zinc finger 3; minus strand), GLIS3-AS2 (GLIS3 antisense RNA 2; plus strand). Cytogenetic location: 9p24.2.
Variant type: single nucleotide variant.
Coding change: c.-131G>A on transcript NM_001042413.2 (MANE Select); 131 bases upstream of the start codon, G replaced by A.
Molecular consequence: 5 prime UTR variant.
Genome position (GRCh38, 1-based): chr9:4,299,453, C>T on the plus strand (G>A on the coding strand, the complement: GLIS3 is on the minus strand). VCF-style: chr9-4299453-C-T. GRCh37 (hg19) VCF-style: chr9-4299453-C-T.
Identifiers: ClinVar variation 367007 (VCV000367007.6), dbSNP rs7852293, ClinGen allele CA10633789.

ClinVar aggregate classification (germline): Benign. Review status: criteria provided, multiple submitters, no conflicts (2 of 4 stars). 2 submissions from 2 submitters: Benign (2). Last evaluated 2018-01-13.

Conditions:
Neonatal diabetes mellitus with congenital hypothyroidism. Also called: NDH SYNDROME. Identifiers: Orphanet 79118, MedGen C1857775, MONDO:0012436, OMIM 610199.

Allele frequency attached by ClinVar (database versions not stated): gnomAD exomes 0.27500; 1000 Genomes Project 0.42232; 1000 Genomes Project 30x 0.43598; TOPMed 0.45392.
gnomAD v4.1: 65,486 of 152,434 alleles (43%); highest among the groups gnomAD compares: African/African-American, 78%; 17,752 homozygotes.

Submissions (2):

Illumina Laboratory Services, Illumina
Classification: Benign for Neonatal diabetes mellitus with congenital hypothyroidism. Last evaluated: 2018-01-13. Review status: criteria provided, single submitter. Criteria: ICSL Variant Classification Criteria 13 December 2019. Collection method: clinical testing. Allele origin: germline.
Comment: This variant was observed in the ICSL laboratory as part of a predisposition screen in an ostensibly healthy population. It had not been previously curated by ICSL or reported in the Human Gene Mutation Database (HGMD: prior to June 1st, 2018), and was therefore a candidate for classification through an automated scoring system. Utilizing variant allele frequency, disease prevalence and penetrance estimates, and inheritance mode, an automated score was calculated to assess if this variant is too frequent to cause the disease. Based on the score and internal cut-off values, a variant classified as benign is not then subjected to further curation. The score for this variant resulted in a classification of benign for this disease.

Breakthrough Genomics
Classification: Benign. Review status: criteria provided, single submitter. Criteria: ACMG Guidelines, 2015. Collection method: not provided. Allele origin: germline. Inheritance: Autosomal recessive inheritance. Affected: yes.